The following is an entry in ClinVar:

ClinVar aggregate classification (germline): Uncertain significance (1 of 4 stars; one submission).

Allele frequency attached by ClinVar (database versions not stated): ExAC 0.00002; gnomAD 0.00002; gnomAD exomes 0.00002; TOPMed 0.00003.

Submission:

Labcorp Genetics (formerly Invitae), Labcorp
Classification: Uncertain significance. Last evaluated: 2025-09-13. Review status: criteria provided, single submitter. Criteria: Invitae Variant Classification Sherloc (09022015). Collection method: clinical testing. Allele origin: germline.
Comment: This sequence change replaces arginine, which is basic and polar, with tryptophan, which is neutral and slightly polar, at codon 86 of the IL23R protein (p.Arg86Trp). This variant is present in population databases (rs749929021, gnomAD 0.006%). This variant has not been reported in the literature in individuals affected with IL23R-related conditions. ClinVar contains an entry for this variant (Variation ID: 1413220). An algorithm developed to predict the effect of missense changes on protein structure and function outputs the following: PolyPhen-2: "Benign". The tryptophan amino acid residue is found in multiple mammalian species, which suggests that this missense change does not adversely affect protein function. In summary, the available evidence is currently insufficient to determine the role of this variant in disease. Therefore, it has been classified as a Variant of Uncertain Significance.

NM_144701.3(IL23R):c.256C>T (p.Arg86Trp)

Gene: IL23R (interleukin 23 receptor; plus strand). Cytogenetic location: 1p31.3.
Variant type: single nucleotide variant.
Coding change: c.256C>T on transcript NM_144701.3 (MANE Select); coding-DNA position 256, C replaced by T.
Protein change: p.Arg86Trp; replaces arginine 86 with tryptophan.
Molecular consequence: missense variant.
Genome position (GRCh38, 1-based): chr1:67,169,527, C>T. VCF-style: chr1-67169527-C-T. GRCh37 (hg19) VCF-style: chr1-67635210-C-T.
Other names: short protein forms R86W.
Identifiers: ClinVar variation 1413220 (VCV001413220.8), dbSNP rs749929021, ClinGen allele CA899670.